The following is an entry in ClinVar:

ClinVar aggregate classification (germline): Uncertain significance (1 of 4 stars; one submission).

Conditions:
Inborn genetic diseases. Identifiers: MedGen C0950123, MeSH D030342.

Allele frequency attached by ClinVar (database versions not stated): gnomAD exomes below 0.00001; TOPMed below 0.00001.
gnomAD v4.1: 2 of 1,613,988 alleles (0.00012%); highest among the groups gnomAD compares: South Asian, 0.0011%; no homozygotes.

Submission:

Ambry Genetics
Classification: Uncertain significance for Inborn genetic diseases. Last evaluated: 2024-09-09. Review status: criteria provided, single submitter. Criteria: Ambry Variant Classification Scheme 2023. Collection method: clinical testing. Allele origin: germline.
Comment: The p.I567T variant (also known as c.1700T>C), located in coding exon 15 of the LRRK2 gene, results from a T to C substitution at nucleotide position 1700. The isoleucine at codon 567 is replaced by threonine, an amino acid with similar properties. This amino acid position is conserved. In addition, this alteration is predicted to be tolerated by in silico analysis. Since supporting evidence is limited at this time, the clinical significance of this alteration remains unclear.

NM_198578.4(LRRK2):c.1700T>C (p.Ile567Thr)

Gene: LRRK2 (leucine rich repeat kinase 2; plus strand). Cytogenetic location: 12q12.
Variant type: single nucleotide variant.
Coding change: c.1700T>C on transcript NM_198578.4 (MANE Select); coding-DNA position 1700, T replaced by C.
Protein change: p.Ile567Thr; replaces isoleucine 567 with threonine.
Molecular consequence: missense variant.
Genome position (GRCh38, 1-based): chr12:40,274,626, T>C. VCF-style: chr12-40274626-T-C. GRCh37 (hg19) VCF-style: chr12-40668428-T-C.
Other names: short protein forms I567T.
Identifiers: ClinVar variation 1778352 (VCV001778352.3), dbSNP rs1185350430, ClinGen allele CA384402870.